The following is an entry in ClinVar:

NM_004727.3(SLC24A1):c.2659_2670del (p.Glu887_Glu890del)

Gene: SLC24A1 (solute carrier family 24 member 1; plus strand). Cytogenetic location: 15q22.31.
Variant type: Deletion.
Coding change: c.2659_2670del on transcript NM_004727.3 (MANE Select); coding-DNA positions 2659 to 2670, 12 bases deleted (GAAGAGGAGGAG).
Protein change: p.Glu887_Glu890del.
Molecular consequence: inframe deletion.
Genome position (GRCh38, 1-based): chr15:65,650,808-65,650,819, GAAGAGGAGGAG deleted; deleting any 12 consecutive bases within chr15:65,650,799-65,650,819 gives the same sequence; the c. name uses the placement nearest the transcript's 3' end. VCF-style (leftmost placement, unchanged base first): chr15-65650798-GGAGGAGGAGGAA-G. GRCh37 (hg19) VCF-style: chr15-65943136-GGAGGAGGAGGAA-G.
Other names: c.640_651del, p.Glu214_Glu217del (NM_001254740.2); c.2659_2670del, p.Glu887_Glu890del (NM_001301031.1); c.2605_2616del, p.Glu869_Glu872del (NM_001301032.1, NM_001301033.2).
Identifiers: ClinVar variation 1475755 (VCV001475755.5), dbSNP rs754427272, ClinGen allele CA7620178.
Genomic context (GRCh38, chr15:65,650,798, plus strand): 5'-AGAGGAGGAGGAAGAGCAGGAGGAAGAGGAGGAGGAGGAAGAGCAGGAGGAAGAGGAGGA[GGAGGAGGAGGAA>G]GAGGAGGAGAAGGGAAATGAAGAGCCTCTGTCCCTGGACTGGCCTGAAACCAGGCAGAAG-3'

ClinVar aggregate classification (germline): Uncertain significance (1 of 4 stars; one submission).

Submission:

Labcorp Genetics (formerly Invitae), Labcorp
Classification: Uncertain significance. Last evaluated: 2022-08-23. Review status: criteria provided, single submitter. Criteria: Invitae Variant Classification Sherloc (09022015). Collection method: clinical testing. Allele origin: germline.
Comment: This variant, c.2659_2670del, results in the deletion of 4 amino acid(s) of the SLC24A1 protein (p.Glu887_Glu890del), but otherwise preserves the integrity of the reading frame. The frequency data for this variant in the population databases is considered unreliable, as metrics indicate poor data quality at this position in the gnomAD database. This variant has not been reported in the literature in individuals affected with SLC24A1-related conditions. ClinVar contains an entry for this variant (Variation ID: 1475755). Experimental studies and prediction algorithms are not available or were not evaluated, and the functional significance of this variant is currently unknown. In summary, the available evidence is currently insufficient to determine the role of this variant in disease. Therefore, it has been classified as a Variant of Uncertain Significance.